The following is an entry in ClinVar:

ClinVar aggregate classification (germline): Likely benign (0 of 4 stars; one submission).

Conditions:
IFT172-related disorder. Also called: IFT172-related disorders; IFT172-related condition.

gnomAD v4.1: 4 of 1,611,990 alleles (0.00025%); highest among the groups gnomAD compares: African/African-American, 0.004%; no homozygotes.

Submission:

PreventionGenetics, part of Exact Sciences
Classification: Likely benign for IFT172-related condition. Last evaluated: 2023-08-22. Review status: no assertion criteria provided. Collection method: clinical testing. Allele origin: germline.
Comment: This variant is classified as likely benign based on ACMG/AMP sequence variant interpretation guidelines (Richards et al. 2015 PMID: 25741868, with internal and published modifications).

NM_015662.3(IFT172):c.600C>T (p.Pro200=)

Gene: IFT172 (intraflagellar transport 172; minus strand). Cytogenetic location: 2p23.3.
Variant type: single nucleotide variant.
Coding change: c.600C>T on transcript NM_015662.3 (MANE Select); coding-DNA position 600, C replaced by T.
Protein change: p.Pro200=; no amino-acid change (proline 200 retained).
Molecular consequence: synonymous variant.
Genome position (GRCh38, 1-based): chr2:27,481,231, G>A on the plus strand (C>T on the coding strand, the complement: IFT172 is on the minus strand). VCF-style: chr2-27481231-G-A. GRCh37 (hg19) VCF-style: chr2-27704098-G-A.
Other names: c.600C>T, p.Pro200= (NM_001410739.1).
Identifiers: ClinVar variation 3357114 (VCV003357114.1).